The following is an entry in ClinVar:

ClinVar aggregate classification (germline): Uncertain significance. Review status: criteria provided, multiple submitters, no conflicts (2 of 4 stars). 2 submissions from 2 submitters: Uncertain significance (2). Last evaluated 2025-02-28.

Conditions:
Spinocerebellar ataxia type 35. Identifiers: Orphanet 276193, MedGen C3888031, MONDO:0013485, OMIM 613908.
Inborn genetic diseases. Identifiers: MedGen C0950123, MeSH D030342.

gnomAD v4.1: 7 of 1,614,196 alleles (0.00043%); highest among the groups gnomAD compares: Admixed American, 0.005%; no homozygotes.

Submissions (2):

Laboratorio de Genetica e Diagnostico Molecular, Hospital Israelita Albert Einstein
Classification: Uncertain significance for Spinocerebellar ataxia type 35. Last evaluated: 2025-02-28. Review status: criteria provided, single submitter. Criteria: ACMG Guidelines, 2015. Collection method: clinical testing. Allele origin: germline. Affected: yes.
Comment: ACMG classification criteria: PM2 supporting

Ambry Genetics
Classification: Uncertain significance for Inborn genetic diseases. Last evaluated: 2022-01-31. Review status: criteria provided, single submitter. Criteria: Ambry Variant Classification Scheme 2023. Collection method: clinical testing. Allele origin: germline.

NM_198994.3(TGM6):c.974C>T (p.Thr325Ile)

Gene: TGM6 (transglutaminase 6; plus strand). Cytogenetic location: 20p13.
Variant type: single nucleotide variant.
Coding change: c.974C>T on transcript NM_198994.3 (MANE Select); coding-DNA position 974, C replaced by T.
Protein change: p.Thr325Ile; replaces threonine 325 with isoleucine.
Molecular consequence: missense variant.
Genome position (GRCh38, 1-based): chr20:2,400,429, C>T. VCF-style: chr20-2400429-C-T. GRCh37 (hg19) VCF-style: chr20-2381075-C-T.
Other names: c.974C>T, p.Thr325Ile (NM_001254734.2); short protein forms T325I.
Identifiers: ClinVar variation 2274867 (VCV002274867.3), dbSNP rs141990961, ClinGen allele CA501201.